The following is an entry in ClinVar:

ClinVar aggregate classification (germline): Benign/Likely benign. Review status: criteria provided, multiple submitters, no conflicts (2 of 4 stars). 3 submissions from 3 submitters: Benign (1); Likely benign (2). Last evaluated 2024-11-04.

Conditions:
Hereditary cancer-predisposing syndrome. Also called: Neoplastic Syndromes, Hereditary; Hereditary Cancer Syndrome; Hereditary neoplastic syndrome; Tumor predisposition. Identifiers: Orphanet 140162, MedGen C0027672, MeSH D009386, MONDO:0015356.
Multiple endocrine neoplasia, type 1 (MEN1). Also called: Endocrine adenomatosis multiple; MEN 1; MEN I; WERMER SYNDROME; MEA I. Identifiers: Orphanet 652, MedGen C0025267, MeSH D018761, MONDO:0007540, OMIM 131100.

Submissions (3):

Myriad Genetics, Inc.
Classification: Benign for Multiple endocrine neoplasia, type 1. Last evaluated: 2024-11-04. Review status: criteria provided, single submitter. Criteria: Myriad Autosomal Dominant, Autosomal Recessive and X-Linked Classification Criteria (2023). Collection method: clinical testing. Allele origin: unknown.
Comment: This variant is considered benign. This variant is a silent/synonymous amino acid change and it is not expected to impact splicing.

Labcorp Genetics (formerly Invitae), Labcorp
Classification: Likely benign for Multiple endocrine neoplasia, type 1. Last evaluated: 2024-04-22. Review status: criteria provided, single submitter. Criteria: Invitae Variant Classification Sherloc (09022015). Collection method: clinical testing. Allele origin: germline.

Ambry Genetics
Classification: Likely benign for Hereditary cancer-predisposing syndrome. Last evaluated: 2020-10-16. Review status: criteria provided, single submitter. Criteria: Ambry Variant Classification Scheme 2023. Collection method: clinical testing. Allele origin: germline.

NM_001370259.2(MEN1):c.1170G>T (p.Pro390=)

Gene: MEN1 (menin 1; minus strand). Cytogenetic location: 11q13.1.
Variant type: single nucleotide variant.
Coding change: c.1170G>T on transcript NM_001370259.2 (MANE Select); coding-DNA position 1170, G replaced by T.
Protein change: p.Pro390=; no amino-acid change (proline 390 retained).
Molecular consequence: synonymous variant.
Genome position (GRCh38, 1-based): chr11:64,805,650, C>A on the plus strand (G>T on the coding strand, the complement: MEN1 is on the minus strand). VCF-style: chr11-64805650-C-A. GRCh37 (hg19) VCF-style: chr11-64573122-C-A.
Other names: c.1185G>T, p.Pro395= (NM_000244.4, NM_130800.3, NM_130801.3 and 3 more transcripts); c.1296G>T, p.Pro432= (NM_001370251.2); c.1170G>T, p.Pro390= (NM_001370260.2, NM_001370261.2, NM_130799.3); c.1065G>T, p.Pro355= (NM_001370262.2, NM_001370263.2).
Identifiers: ClinVar variation 1160658 (VCV001160658.12), dbSNP rs587780841, ClinGen allele CA474983080.